The following is an entry in ClinVar:

ClinVar aggregate classification (germline): Uncertain significance. Review status: criteria provided, multiple submitters, no conflicts (2 of 4 stars). 2 submissions from 2 submitters: Uncertain significance (2). Last evaluated 2024-10-08.

Conditions:
Growth hormone insensitivity with immune dysregulation 1, autosomal recessive. Also called: GROWTH HORMONE INSENSITIVITY SYNDROME WITH IMMUNE DYSREGULATION 1, AUTOSOMAL RECESSIVE; Laron syndrome with immunodeficiency; GROWTH HORMONE INSENSITIVITY DUE TO POSTRECEPTOR DEFECT; LARON SYNDROME DUE TO POSTRECEPTOR DEFECT. Identifiers: Orphanet 220465, MedGen C5435698, MONDO:0100211, OMIM 245590.

Allele frequency attached by ClinVar (database versions not stated): gnomAD exomes 0.00002 and 0.00003; 1000 Genomes Project 30x 0.00031.

Submissions (2):

Blueprint Genetics
Classification: Uncertain significance. Last evaluated: 2024-10-08. Review status: criteria provided, single submitter. Criteria: ACMG Guidelines, 2015. Collection method: clinical testing. Allele origin: germline.

Labcorp Genetics (formerly Invitae), Labcorp
Classification: Uncertain significance for Growth hormone insensitivity with immune dysregulation 1, autosomal recessive. Last evaluated: 2024-02-24. Review status: criteria provided, single submitter. Criteria: Invitae Variant Classification Sherloc (09022015). Collection method: clinical testing. Allele origin: germline.
Comment: This sequence change replaces glutamic acid, which is acidic and polar, with lysine, which is basic and polar, at codon 231 of the STAT5B protein (p.Glu231Lys). The frequency data for this variant in the population databases is considered unreliable, as metrics indicate poor data quality at this position in the gnomAD database. This variant has not been reported in the literature in individuals affected with STAT5B-related conditions. ClinVar contains an entry for this variant (Variation ID: 534578). Advanced modeling of protein sequence and biophysical properties (such as structural, functional, and spatial information, amino acid conservation, physicochemical variation, residue mobility, and thermodynamic stability) performed at Invitae indicates that this missense variant is not expected to disrupt STAT5B protein function with a negative predictive value of 80%. In summary, the available evidence is currently insufficient to determine the role of this variant in disease. Therefore, it has been classified as a Variant of Uncertain Significance.

NM_012448.4(STAT5B):c.691G>A (p.Glu231Lys)

Gene: STAT5B (signal transducer and activator of transcription 5B; minus strand). Cytogenetic location: 17q21.2.
Variant type: single nucleotide variant.
Coding change: c.691G>A on transcript NM_012448.4 (MANE Select); coding-DNA position 691, G replaced by A.
Protein change: p.Glu231Lys; replaces glutamic acid 231 with lysine.
Molecular consequence: missense variant.
Genome position (GRCh38, 1-based): chr17:42,219,454, C>T on the plus strand (G>A on the coding strand, the complement: STAT5B is on the minus strand). VCF-style: chr17-42219454-C-T. GRCh37 (hg19) VCF-style: chr17-40371472-C-T.
Other names: short protein forms E231K.
Identifiers: ClinVar variation 534578 (VCV000534578.10), dbSNP rs917567542, ClinGen allele CA290742731.
Genomic context (GRCh38, chr17:42,219,454, plus strand): 5'-CGTCATCCAGGATGATGGTCTGCTGCTTCCGCAGCAGCTGCAGGGTCTTCTGGTGCTTCT[C>T]GGCCAGCTCCTGAGGGAAGGGAGGAGAGCAGCCCCTTCTGGGCTCCCAGAGAACACCGCA-3'
Protein context (NP_036580.2, residues 221-241): TLQQYRVELA[Glu231Lys]KHQKTLQLLR